The following is an entry in ClinVar:

ClinVar aggregate classification (germline): Uncertain significance. Review status: criteria provided, multiple submitters, no conflicts (2 of 4 stars). 3 submissions from 3 submitters: Uncertain significance (3). Last evaluated 2024-08-01.

Conditions:
Periodontitis, aggressive. Identifiers: MedGen C0031106, MONDO:0980757.
Haim-Munk syndrome (HMS). Also called: KERATOSIS PALMOPLANTARIS WITH PERIODONTOPATHIA AND ONYCHOGRYPOSIS; COCHIN JEWISH DISORDER. Identifiers: Orphanet 2342, MedGen C1855627, MONDO:0009491, OMIM 245010.
Papillon-Lefèvre syndrome (PALS). Also called: Papillon-Lefevre Disease; KERATOSIS PALMOPLANTARIS WITH PERIODONTOPATHIA. Identifiers: Orphanet 678, MedGen C0030360, MONDO:0009490, OMIM 245000.

Submissions (3):

Blueprint Genetics
Classification: Uncertain significance. Last evaluated: 2024-08-01. Review status: criteria provided, single submitter. Criteria: ACMG Guidelines, 2015. Collection method: clinical testing. Allele origin: germline.

Fulgent Genetics
Classification: Uncertain significance for Periodontitis, aggressive 1; Papillon-Lefèvre syndrome; Haim-Munk syndrome. Last evaluated: 2022-04-21. Review status: criteria provided, single submitter. Criteria: ACMG Guidelines, 2015. Collection method: clinical testing. Allele origin: unknown.

GeneDx
Classification: Uncertain significance. Last evaluated: 2016-12-21. Review status: criteria provided, single submitter. Criteria: GeneDx Variant Classification (06012015). Collection method: clinical testing. Allele origin: germline. Affected: yes.
Comment: The c.1344_1345delTG variant in the CTSC gene has not been reported previously as a pathogenic variant, nor as a benign variant, to our knowledge. The c.1344_1345delTG variant causes a frameshift starting with codon Alanine 449, changes this amino acid to a Asparagine residue, and creates a premature Stop codon at position 2 of the new reading frame, denoted p.Ala449AsnfsX2. This variant is predicted to cause loss of normal protein function through protein truncation. The c.1344_1345delTG variant was not observed at any significant frequency in approximately 6,500 individuals of European and African American ancestry by the NHLBI Exome Sequencing Project. We interpret c.1344_1345delTG as a variant of uncertain significance.

NM_001814.6(CTSC):c.1344_1345del (p.Ala449fs)

Gene: CTSC (cathepsin C; minus strand). Cytogenetic location: 11q14.2.
Variant type: Microsatellite.
Coding change: c.1344_1345del on transcript NM_001814.6 (MANE Select); coding-DNA positions 1344 to 1345, 2 bases deleted (TG; older notation c.1344_1345delTG).
Protein change: p.Ala449fs; shifts the reading frame from alanine 449.
Molecular consequence: frameshift variant.
Genome position (GRCh38, 1-based): chr11:88,294,053-88,294,054, CA deleted on the plus strand (TG on the coding strand, the reverse complement: CTSC is on the minus strand); deleting any 2 consecutive bases within chr11:88,294,053-88,294,057 gives the same sequence; the c. name uses the placement nearest the transcript's 3' end. VCF-style (leftmost placement, unchanged base first): chr11-88294052-GCA-G. GRCh37 (hg19) VCF-style: chr11-88027220-GCA-G.
Other names: short protein forms A449fs.
Identifiers: ClinVar variation 422938 (VCV000422938.4), dbSNP rs771873680, ClinGen allele CA6219719.